The following is an entry in ClinVar:

NM_000363.5(TNNI3):c.500T>C (p.Leu167Pro)

Gene: TNNI3 (troponin I3, cardiac type; minus strand). Cytogenetic location: 19q13.42.
Variant type: single nucleotide variant.
Coding change: c.500T>C on transcript NM_000363.5 (MANE Select); coding-DNA position 500, T replaced by C.
Protein change: p.Leu167Pro; replaces leucine 167 with proline.
Molecular consequence: missense variant.
Genome position (GRCh38, 1-based): chr19:55,154,079, A>G on the plus strand (T>C on the coding strand, the complement: TNNI3 is on the minus strand). VCF-style: chr19-55154079-A-G. GRCh37 (hg19) VCF-style: chr19-55665447-A-G.
Other names: short protein forms L167P.
Identifiers: ClinVar variation 922311 (VCV000922311.7), dbSNP rs1391407750, ClinGen allele CA407440318.

ClinVar aggregate classification (germline): Uncertain significance. Review status: criteria provided, multiple submitters, no conflicts (2 of 4 stars). 4 submissions from 4 submitters: Uncertain significance (3). 1 of the submissions does not count toward it. Last evaluated 2024-10-15.

Conditions:
Cardiomyopathy (CMYO). Also called: Cardiomyopathies. Identifiers: Orphanet 167848, MedGen C0878544, MONDO:0004994, HP:0001638. Inheritance: Various modes of inheritance.
Sudden cardiac arrest. Identifiers: MedGen C1720824, MONDO:0100511, MONDO:0007264.
Hypertrophic cardiomyopathy. Also called: HYPERTROPHIC MYOCARDIOPATHY. Identifiers: Orphanet 217569, MedGen C0007194, MeSH D002312, MONDO:0005045, HP:0001639.

Allele frequency attached by ClinVar (database versions not stated): gnomAD exomes below 0.00001.
gnomAD v4.1: 5 of 1,612,878 alleles (0.00031%); highest among the groups gnomAD compares: East Asian, 0.0045%; no homozygotes.

Submissions (4):

Labcorp Genetics (formerly Invitae), Labcorp
Classification: Uncertain significance for Hypertrophic cardiomyopathy. Last evaluated: 2024-10-15. Review status: criteria provided, single submitter. Criteria: Invitae Variant Classification Sherloc (09022015). Collection method: clinical testing. Allele origin: germline.
Comment: This sequence change replaces leucine, which is neutral and non-polar, with proline, which is neutral and non-polar, at codon 167 of the TNNI3 protein (p.Leu167Pro). This variant is present in population databases (no rsID available, gnomAD 0.006%). This missense change has been observed in individual(s) with hypertrophic cardiomyopathy (PMID: 21839045). ClinVar contains an entry for this variant (Variation ID: 922311). An algorithm developed to predict the effect of missense changes on protein structure and function (PolyPhen-2) suggests that this variant is likely to be disruptive. In summary, the available evidence is currently insufficient to determine the role of this variant in disease. Therefore, it has been classified as a Variant of Uncertain Significance.

Revvity Omics, Revvity
Classification: Uncertain significance. Last evaluated: 2023-05-11. Review status: criteria provided, single submitter. Criteria: ACMG Guidelines, 2015. Collection method: clinical testing. Allele origin: germline.

Color Diagnostics, LLC DBA Color Health
Classification: Uncertain significance for Cardiomyopathy. Last evaluated: 2018-11-14. Review status: criteria provided, single submitter. Criteria: ACMG Guidelines, 2015. Collection method: clinical testing. Allele origin: germline.

Agnes Ginges Centre for Molecular Cardiology, Centenary Institute
Classification: Uncertain significance for Sudden cardiac arrest. Last evaluated: 2019-04-09. Review status: no assertion criteria provided. Collection method: research. Allele origin: germline. Inheritance: Autosomal dominant inheritance. Affected: yes. Not counted in ClinVar's aggregate classification.
Comment: This variant has been identified as part of our research program. For further information please feel free to contact us.

Literature cited by the submitters: PubMed 21839045 (cited by Labcorp Genetics (formerly Invitae), Labcorp and Agnes Ginges Centre for Molecular Cardiology, Centenary Institute).